The following is an entry in ClinVar:

NM_000088.4(COL1A1):c.1718C>G (p.Ala573Gly)

Gene: COL1A1 (collagen type I alpha 1 chain; minus strand). Cytogenetic location: 17q21.33.
Variant type: single nucleotide variant.
Coding change: c.1718C>G on transcript NM_000088.4 (MANE Select); coding-DNA position 1718, C replaced by G.
Protein change: p.Ala573Gly; replaces alanine 573 with glycine.
Molecular consequence: missense variant.
Genome position (GRCh38, 1-based): chr17:50,193,992, G>C on the plus strand (C>G on the coding strand, the complement: COL1A1 is on the minus strand). VCF-style: chr17-50193992-G-C. GRCh37 (hg19) VCF-style: chr17-48271353-G-C.
Other names: c.1718C>G (NM_000088.3); short protein forms A573G.
Identifiers: ClinVar variation 808291 (VCV000808291.43), dbSNP rs1457362728, ClinGen allele CA400215360.

ClinVar aggregate classification (germline): Conflicting classifications of pathogenicity. Review status: criteria provided, conflicting classifications (1 of 4 stars). 3 submissions from 3 submitters: Uncertain significance (2); Likely benign (1). Last evaluated 2025-08-24.

Conditions:
Cardiovascular phenotype. Identifiers: MedGen CN230736.
Osteogenesis imperfecta type I (OI1). Also called: Lobstein's Disease; Osteogenesis imperfecta type 1; OI, TYPE I; OSTEOGENESIS IMPERFECTA TARDA; OSTEOGENESIS IMPERFECTA WITH BLUE SCLERAE; Classic Non-deforming Osteogenesis Imperfecta with Blue Sclerae. Identifiers: Orphanet 216796, Orphanet 666, MedGen C0023931, MONDO:0008146, OMIM 166200. Disease mechanism: loss of function.

Allele frequency attached by ClinVar (database versions not stated): TOPMed below 0.00001; gnomAD exomes 0.00001; gnomAD 0.00003.
gnomAD v4.1: 11 of 1,614,170 alleles (0.00068%); highest among the groups gnomAD compares: Non-Finnish European, 0.00093%; no homozygotes.

Submissions (3):

Labcorp Genetics (formerly Invitae), Labcorp
Classification: Likely benign for Osteogenesis imperfecta type I. Last evaluated: 2025-08-24. Review status: criteria provided, single submitter. Criteria: Invitae Variant Classification Sherloc (09022015). Collection method: clinical testing. Allele origin: germline.

Ambry Genetics
Classification: Uncertain significance for Cardiovascular phenotype. Last evaluated: 2025-03-19. Review status: criteria provided, single submitter. Criteria: Ambry Variant Classification Scheme 2023. Collection method: clinical testing. Allele origin: germline.
Comment: The p.A573G variant (also known as c.1718C>G), located in coding exon 25 of the COL1A1 gene, results from a C to G substitution at nucleotide position 1718. The alanine at codon 573 is replaced by glycine, an amino acid with similar properties. This amino acid position is not well conserved in available vertebrate species. In addition, the in silico prediction for this alteration is inconclusive. Based on the available evidence, the clinical significance of this variant remains unclear.

CeGaT Center for Human Genetics Tuebingen
Classification: Uncertain significance. Last evaluated: 2018-10-01. Review status: criteria provided, single submitter. Criteria: CeGaT Center For Human Genetics Tuebingen Variant Classification Criteria Version 2. Collection method: clinical testing. Allele origin: germline. Affected: yes. Observed: 1 variant allele.